The following is an entry in ClinVar:

ClinVar aggregate classification (germline): Uncertain significance (1 of 4 stars; one submission).

Conditions:
Immunodeficiency, common variable, 4. Also called: ANTIBODY DEFICIENCY DUE TO BAFFR DEFECT. Identifiers: Orphanet 1572, Orphanet 696925, MedGen C3150739, MONDO:0013284, OMIM 613494.

Allele frequency attached by ClinVar (database versions not stated): gnomAD exomes below 0.00001.

Submission:

Labcorp Genetics (formerly Invitae), Labcorp
Classification: Uncertain significance for Immunodeficiency, common variable, 4. Last evaluated: 2025-10-13. Review status: criteria provided, single submitter. Criteria: Invitae Variant Classification Sherloc (09022015). Collection method: clinical testing. Allele origin: germline.
Comment: This sequence change replaces glutamine, which is neutral and polar, with leucine, which is neutral and non-polar, at codon 58 of the TNFRSF13C protein (p.Gln58Leu). This variant is not present in population databases (gnomAD no frequency). This variant has not been reported in the literature in individuals affected with TNFRSF13C-related conditions. ClinVar contains an entry for this variant (Variation ID: 647889). An algorithm developed to predict the effect of missense changes on protein structure and function (PolyPhen-2) suggests that this variant is likely to be tolerated. In summary, the available evidence is currently insufficient to determine the role of this variant in disease. Therefore, it has been classified as a Variant of Uncertain Significance.

NM_052945.4(TNFRSF13C):c.173A>T (p.Gln58Leu)

Genes: TNFRSF13C (TNF receptor superfamily member 13C; minus strand), LOC130067574 (ATAC-STARR-seq lymphoblastoid silent region 13813; plus strand). Cytogenetic location: 22q13.2.
Variant type: single nucleotide variant.
Coding change: c.173A>T on transcript NM_052945.4 (MANE Select); coding-DNA position 173, A replaced by T.
Protein change: p.Gln58Leu; replaces glutamine 58 with leucine.
Molecular consequence: missense variant.
Genome position (GRCh38, 1-based): chr22:41,926,295, T>A on the plus strand (A>T on the coding strand, the complement: TNFRSF13C is on the minus strand). VCF-style: chr22-41926295-T-A. GRCh37 (hg19) VCF-style: chr22-42322299-T-A.
Other names: short protein forms Q58L.
Identifiers: ClinVar variation 647889 (VCV000647889.9), dbSNP rs1602373983, ClinGen allele CA411763346.